The following is an entry in ClinVar:

NM_177438.3(DICER1):c.880G>T (p.Asp294Tyr)

Gene: DICER1 (dicer 1, ribonuclease III; minus strand). Cytogenetic location: 14q32.13.
Variant type: single nucleotide variant.
Coding change: c.880G>T on transcript NM_177438.3 (MANE Select); coding-DNA position 880, G replaced by T.
Protein change: p.Asp294Tyr; replaces aspartic acid 294 with tyrosine.
Molecular consequence: missense variant. On other transcripts: 5 prime UTR variant (1), non-coding transcript variant (6).
Genome position (GRCh38, 1-based): chr14:95,126,603, C>A on the plus strand (G>T on the coding strand, the complement: DICER1 is on the minus strand). VCF-style: chr14-95126603-C-A. GRCh37 (hg19) VCF-style: chr14-95592940-C-A.
Other names: c.880G>T, p.Asp294Tyr (NM_001195573.1, NM_001271282.3, NM_001291628.2 and 15 more transcripts); c.598G>T, p.Asp200Tyr (NM_001395686.1); c.475G>T, p.Asp159Tyr (NM_001395687.1, NM_001395688.1, NM_001395689.1 and 3 more transcripts); c.313G>T, p.Asp105Tyr (NM_001395691.1); c.-689G>T (NM_001395697.1); short protein forms D105Y, D294Y, D159Y, D200Y.
Identifiers: ClinVar variation 2451691 (VCV002451691.4), dbSNP rs2543227786, ClinGen allele CA390887465.
Genomic context (GRCh38, chr14:95,126,603, plus strand): 5'-AAAATATAATCACTATACCTACTTGGTATATGCTTACCTGTTTCGAAATTAAAGTAGAAT[C>A]TCTTTCTTTTGAATGTACAGATATATTACAATCATTGATAAAATTAAGTGCTTCTTCTAA-3'
Protein context (NP_803187.1, residues 284-304): CNISVHSKER[Asp294Tyr]STLISKQILS

ClinVar aggregate classification (germline): Uncertain significance. Review status: criteria provided, multiple submitters, no conflicts (2 of 4 stars). 2 submissions from 2 submitters: Uncertain significance (2). Last evaluated 2025-10-16.

Conditions:
DICER1-related tumor predisposition. Also called: DICER1 syndrome; DICER1-related pleuropulmonary blastoma cancer predisposition syndrome. Identifiers: Orphanet 284343, MedGen C3839822, MONDO:0100216.
Hereditary cancer-predisposing syndrome. Also called: Hereditary neoplastic syndrome; Tumor predisposition; Neoplastic Syndromes, Hereditary; Hereditary Cancer Syndrome. Identifiers: Orphanet 140162, MedGen C0027672, MeSH D009386, MONDO:0015356.

Submissions (2):

Labcorp Genetics (formerly Invitae), Labcorp
Classification: Uncertain significance for DICER1-related tumor predisposition. Last evaluated: 2025-10-16. Review status: criteria provided, single submitter. Criteria: Invitae Variant Classification Sherloc (09022015). Collection method: clinical testing. Allele origin: germline.
Comment: This sequence change replaces aspartic acid, which is acidic and polar, with tyrosine, which is neutral and polar, at codon 294 of the DICER1 protein (p.Asp294Tyr). This variant is not present in population databases (gnomAD no frequency). This variant has not been reported in the literature in individuals affected with DICER1-related conditions. ClinVar contains an entry for this variant (Variation ID: 2451691). Invitae Evidence Modeling of protein sequence and biophysical properties (such as structural, functional, and spatial information, amino acid conservation, physicochemical variation, residue mobility, and thermodynamic stability) has been performed for this missense variant. However, the output from this modeling did not meet the statistical confidence thresholds required to predict the impact of this variant on DICER1 protein function. In summary, the available evidence is currently insufficient to determine the role of this variant in disease. Therefore, it has been classified as a Variant of Uncertain Significance.

Ambry Genetics
Classification: Uncertain significance for Hereditary cancer-predisposing syndrome. Last evaluated: 2022-11-27. Review status: criteria provided, single submitter. Criteria: Ambry Variant Classification Scheme 2023. Collection method: clinical testing. Allele origin: germline.
Comment: The p.D294Y variant (also known as c.880G>T), located in coding exon 6 of the DICER1 gene, results from a G to T substitution at nucleotide position 880. The aspartic acid at codon 294 is replaced by tyrosine, an amino acid with highly dissimilar properties. This amino acid position is conserved. In addition, this alteration is predicted to be deleterious by in silico analysis. Since supporting evidence is limited at this time, the clinical significance of this alteration remains unclear.